The following is an entry in ClinVar:

NM_002860.4(ALDH18A1):c.752C>A (p.Ala251Asp)

Gene: ALDH18A1 (aldehyde dehydrogenase 18 family member A1; minus strand). Cytogenetic location: 10q24.1.
Variant type: single nucleotide variant.
Coding change: c.752C>A on transcript NM_002860.4 (MANE Select); coding-DNA position 752, C replaced by A.
Protein change: p.Ala251Asp; replaces alanine 251 with aspartic acid.
Molecular consequence: missense variant.
Genome position (GRCh38, 1-based): chr10:95,633,015, G>T on the plus strand (C>A on the coding strand, the complement: ALDH18A1 is on the minus strand). VCF-style: chr10-95633015-G-T. GRCh37 (hg19) VCF-style: chr10-97392772-G-T.
Other names: c.752C>A, p.Ala251Asp (NM_001323413.2, NM_001323414.2); c.746C>A, p.Ala249Asp (NM_001323415.2, NM_001017423.2); c.419C>A, p.Ala140Asp (NM_001323416.2, NM_001323412.2); c.647C>A, p.Ala216Asp (NM_001323417.2); c.413C>A, p.Ala138Asp (NM_001323418.2); c.116C>A, p.Ala39Asp (NM_001323419.2); short protein forms A140D, A39D, A251D, A138D, A216D, A249D.
Identifiers: ClinVar variation 4783432 (VCV004783432.1).
Genomic context (GRCh38, chr10:95,633,015, plus strand): 5'-GTACCTTCTACATCTGAAAGAACAATCAAGAGATCAGTTTTCATTTCCACAGCCAGTCGG[G>T]CAGCCAGGCTATCATTATCTTTAACACTAATAACCTAGAATGCAGATTAAAAAGTCATAA-3'
Protein context (NP_002851.2, residues 241-261): ISVKDNDSLA[Ala251Asp]RLAVEMKTDL

ClinVar aggregate classification (germline): Uncertain significance (1 of 4 stars; one submission).

Conditions:
Cutis laxa, autosomal dominant 3 (ADCL3). Identifiers: Orphanet 90348, MedGen C4225268, MONDO:0014706, OMIM 616603.
Autosomal dominant spastic paraplegia type 9. Identifiers: MedGen C1832669, MONDO:0015091.
de Barsy syndrome. Also called: Cutis laxa-corneal clouding-oligophrenia syndrome. Identifiers: Orphanet 2962, MedGen C0268354, MONDO:0017569.

Submission:

Labcorp Genetics (formerly Invitae), Labcorp
Classification: Uncertain significance for Autosomal dominant spastic paraplegia type 9; de Barsy syndrome; Cutis laxa, autosomal dominant 3. Last evaluated: 2025-09-16. Review status: criteria provided, single submitter. Criteria: Invitae Variant Classification Sherloc (09022015). Collection method: clinical testing. Allele origin: germline.
Comment: This sequence change replaces alanine, which is neutral and non-polar, with aspartic acid, which is acidic and polar, at codon 251 of the ALDH18A1 protein (p.Ala251Asp). This variant is not present in population databases (gnomAD no frequency). This variant has not been reported in the literature in individuals affected with ALDH18A1-related conditions. Invitae Evidence Modeling of protein sequence and biophysical properties (such as structural, functional, and spatial information, amino acid conservation, physicochemical variation, residue mobility, and thermodynamic stability) has been performed for this missense variant. However, the output from this modeling did not meet the statistical confidence thresholds required to predict the impact of this variant on ALDH18A1 protein function. In summary, the available evidence is currently insufficient to determine the role of this variant in disease. Therefore, it has been classified as a Variant of Uncertain Significance.